The following is an entry in ClinVar:

NM_004168.4(SDHA):c.1260G>C (p.Gln420His)

Gene: SDHA (succinate dehydrogenase complex flavoprotein subunit A; plus strand). Cytogenetic location: 5p15.33.
Variant type: single nucleotide variant.
Coding change: c.1260G>C on transcript NM_004168.4 (MANE Select); coding-DNA position 1260, G replaced by C.
Protein change: p.Gln420His; replaces glutamine 420 with histidine.
Molecular consequence: missense variant.
Genome position (GRCh38, 1-based): chr5:235,339, G>C. VCF-style: chr5-235339-G-C. GRCh37 (hg19) VCF-style: chr5-235454-G-C.
Other names: c.1116G>C, p.Gln372His (NM_001294332.2); c.1260G>C, p.Gln420His (NM_001330758.2); short protein forms Q372H, Q420H.
Identifiers: ClinVar variation 3951337 (VCV003951337.1).
Genomic context (GRCh38, chr5:235,339, plus strand): 5'-CCCTGTCCTCCCCACCGTGCATTATAACATGGGCGGCATTCCCACCAACTACAAGGGGCA[G>C]GTGATGGTGCTGGCTCCTCCCCCACAGCTGGAAAGAAGGCTGGGACGACGGGGCCCACCT-3'
Protein context (NP_004159.2, residues 410-430): MGGIPTNYKG[Gln420His]VLRHVNGQDQ

ClinVar aggregate classification (germline): Uncertain significance (1 of 4 stars; one submission).

Conditions:
Hereditary cancer-predisposing syndrome. Also called: Tumor predisposition; Hereditary neoplastic syndrome; Hereditary Cancer Syndrome; Neoplastic Syndromes, Hereditary. Identifiers: Orphanet 140162, MedGen C0027672, MeSH D009386, MONDO:0015356.

Submission:

Ambry Genetics
Classification: Uncertain significance for Hereditary cancer-predisposing syndrome. Last evaluated: 2025-04-07. Review status: criteria provided, single submitter. Criteria: Ambry Variant Classification Scheme 2023. Collection method: clinical testing. Allele origin: germline.
Comment: The c.1260G>C variant (also known as p.Q420H), located in coding exon 9 of the SDHA gene, results from a G to C substitution at nucleotide position 1260. The amino acid change results in glutamine to histidine at codon 420, an amino acid with highly similar properties. However, this change occurs in the last base pair of coding exon 9, which makes it likely to have some effect on normal mRNA splicing. This nucleotide position is highly conserved in available vertebrate species. This amino acid position is highly conserved in available vertebrate species. In silico splice site analysis predicts that this alteration will weaken the native splice donor site; however, direct evidence is insufficient at this time (Ambry internal data). In addition, as a missense, the in silico prediction for this alteration is inconclusive. Based on the available evidence, the clinical significance of this variant remains unclear.